The following is an entry in ClinVar:

ClinVar aggregate classification (germline): Uncertain significance. Review status: criteria provided, multiple submitters, no conflicts (2 of 4 stars). 2 submissions from 2 submitters: Uncertain significance (2). Last evaluated 2025-12-15.

Conditions:
Combined immunodeficiency due to ORAI1 deficiency. Also called: IMMUNODEFICIENCY 9. Identifiers: Orphanet 169090, Orphanet 317428, MedGen C2748568, MONDO:0013007, OMIM 612782.
Myopathy, tubular aggregate, 2 (TAM2). Identifiers: MedGen C4014557, MONDO:0014383, OMIM 615883.

Allele frequency attached by ClinVar (database versions not stated): ExAC 0.00002; gnomAD 0.00003 and 0.00004; gnomAD exomes 0.00002 and 0.00006; TOPMed 0.00005.

Submissions (2):

Labcorp Genetics (formerly Invitae), Labcorp
Classification: Uncertain significance for Myopathy, tubular aggregate, 2; Combined immunodeficiency due to ORAI1 deficiency. Last evaluated: 2025-12-15. Review status: criteria provided, single submitter. Criteria: Invitae Variant Classification Sherloc (09022015). Collection method: clinical testing. Allele origin: germline.
Comment: This sequence change replaces alanine, which is neutral and non-polar, with glycine, which is neutral and non-polar, at codon 132 of the ORAI1 protein (p.Ala132Gly). This variant is present in population databases (rs782478364, gnomAD 0.04%). This variant has not been reported in the literature in individuals affected with ORAI1-related conditions. ClinVar contains an entry for this variant (Variation ID: 1000244). Experimental studies and prediction algorithms are not available or were not evaluated, and the functional significance of this variant is currently unknown. In summary, the available evidence is currently insufficient to determine the role of this variant in disease. Therefore, it has been classified as a Variant of Uncertain Significance.

Women's Health and Genetics/Laboratory Corporation of America, LabCorp
Classification: Uncertain significance. Last evaluated: 2025-01-06. Review status: criteria provided, single submitter. Criteria: LabCorp Variant Classification Summary - May 2015. Collection method: clinical testing. Allele origin: germline.
Comment: Variant summary: ORAI1 c.401C>G (p.Ala134Gly) results in a non-conservative amino acid change in the encoded protein sequence. Three of four in-silico tools predict a damaging effect of the variant on protein function. The variant allele was found at a frequency of 6e-05 in 250506 control chromosomes. This frequency is not significantly higher than estimated for a pathogenic variant in ORAI1 causing Myopathy, Tubular Aggregate, 2, allowing no conclusion about variant significance. To our knowledge, no occurrence of c.401C>G in individuals affected with Myopathy, Tubular Aggregate, 2 and no experimental evidence demonstrating its impact on protein function have been reported. ClinVar contains an entry for this variant (Variation ID: 1000244). Based on the evidence outlined above, the variant was classified as uncertain significance.

NM_032790.4(ORAI1):c.395C>G (p.Ala132Gly)

Gene: ORAI1 (ORAI calcium release-activated calcium modulator 1; plus strand). Cytogenetic location: 12q24.31.
Variant type: single nucleotide variant.
Coding change: c.395C>G on transcript NM_032790.4 (MANE Select); coding-DNA position 395, C replaced by G.
Protein change: p.Ala132Gly; replaces alanine 132 with glycine.
Genome position (GRCh38, 1-based): chr12:121,641,132, C>G. VCF-style: chr12-121641132-C-G. GRCh37 (hg19) VCF-style: chr12-122079038-C-G.
Other names: short protein forms A132G.
Identifiers: ClinVar variation 1000244 (VCV001000244.9), dbSNP rs782478364, ClinGen allele CA6837483.